The following is an entry in ClinVar:

ClinVar aggregate classification (germline): Likely pathogenic (1 of 4 stars; one submission).

Conditions:
GNE myopathy (NM). Also called: INCLUSION BODY MYOPATHY, HEREDITARY, AUTOSOMAL RECESSIVE; INCLUSION BODY MYOPATHY 2, AUTOSOMAL RECESSIVE; MYOPATHY, DISTAL, WITH OR WITHOUT RIMMED VACUOLES; NONAKA DISTAL MYOPATHY; IBM 2; Inclusion body myopathy autosomal recessive. Identifiers: Orphanet 602, MedGen C1853926, MONDO:0011603, OMIM 605820.

Submission:

Myriad Genetics, Inc.
Classification: Likely pathogenic for GNE myopathy. Last evaluated: 2025-10-31. Review status: criteria provided, single submitter. Criteria: Myriad Autosomal Dominant, Autosomal Recessive and X-Linked Classification Criteria (2023). Collection method: clinical testing. Allele origin: unknown.
Comment: NM_001128227.2(GNE):c.1374+2T>C is a variant in a canonical splice site classified as likely pathogenic in the context of GNE myopathy. c.1374+2T>C has not been observed in cases with relevant disease. Relevant functional assessments of this variant are not available in the literature. c.1374+2T>C has not been observed in referenced population frequency databases. In summary, NM_001128227.2(GNE):c.1374+2T>C is a variant in a canonical splice site in a gene where loss of function is a known mechanism of disease and is predicted to disrupt protein function. Please note: this variant was assessed in the context of healthy population screening.

NM_005476.7(GNE):c.1281+2T>C

Gene: GNE (glucosamine (UDP-N-acetyl)-2-epimerase/N-acetylmannosamine kinase; minus strand). Cytogenetic location: 9p13.3.
Variant type: single nucleotide variant.
Coding change: c.1281+2T>C on transcript NM_005476.7 (MANE Select); the canonical splice donor site of the intron after coding-DNA position 1281, T replaced by C.
Molecular consequence: splice donor variant.
Genome position (GRCh38, 1-based): chr9:36,227,246, A>G on the plus strand (T>C on the coding strand, the complement: GNE is on the minus strand). VCF-style: chr9-36227246-A-G. GRCh37 (hg19) VCF-style: chr9-36227243-A-G.
Other names: c.1104+2T>C (NM_001190388.2, NM_001374798.1); c.1374+2T>C (NM_001128227.3); c.951+2T>C (NM_001190384.3); c.1128+2T>C (NM_001374797.1); c.1281+2T>C (NM_001190383.3).
Identifiers: ClinVar variation 5003342 (VCV005003342.1).